The following is an entry in ClinVar:

ClinVar aggregate classification (germline): Uncertain significance (1 of 4 stars; one submission).

Submission:

Athena Diagnostics
Classification: Uncertain significance. Last evaluated: 2025-10-10. Review status: criteria provided, single submitter. Criteria: Athena Diagnostics Criteria. Collection method: clinical testing. Allele origin: unknown.
Comment: Available data are insufficient to determine the clinical significance of the variant at this time. This variant has not been reported in large, multi-ethnic general populations. Polyphen and MutationTaster yielded discordant predictions regarding whether this amino acid change is damaging to the protein.

NM_001267550.2(TTN):c.79823G>A (p.Gly26608Glu)

Genes: TTN (titin; minus strand), TTN-AS1 (TTN antisense RNA 1; plus strand). Cytogenetic location: 2q31.2.
Variant type: single nucleotide variant.
Coding change: c.79823G>A on transcript NM_001267550.2 (MANE Select); coding-DNA position 79823, G replaced by A.
Protein change: p.Gly26608Glu; replaces glycine 26608 with glutamic acid.
Molecular consequence: missense variant.
Genome position (GRCh38, 1-based): chr2:178,566,309, C>T on the plus strand (G>A on the coding strand, the complement: TTN is on the minus strand). VCF-style: chr2-178566309-C-T. GRCh37 (hg19) VCF-style: chr2-179431036-C-T.
Other names: c.74900G>A, p.Gly24967Glu (NM_001256850.1); c.52628G>A, p.Gly17543Glu (NM_003319.4); c.72119G>A, p.Gly24040Glu (NM_133378.4); c.53003G>A, p.Gly17668Glu (NM_133432.3); c.53204G>A, p.Gly17735Glu (NM_133437.4); short protein forms G17543E, G17668E, G17735E, G24040E, G24967E, G26608E.
Identifiers: ClinVar variation 4682345 (VCV004682345.1).